The following is an entry in ClinVar:

NM_001291303.3(FAT4):c.1489A>G (p.Ile497Val)

Gene: FAT4 (FAT atypical cadherin 4; plus strand). Cytogenetic location: 4q28.1.
Variant type: single nucleotide variant.
Coding change: c.1489A>G on transcript NM_001291303.3 (MANE Select); coding-DNA position 1489, A replaced by G.
Protein change: p.Ile497Val; replaces isoleucine 497 with valine.
Molecular consequence: missense variant.
Genome position (GRCh38, 1-based): chr4:125,317,900, A>G. VCF-style: chr4-125317900-A-G. GRCh37 (hg19) VCF-style: chr4-126239055-A-G.
Other names: c.1489A>G, p.Ile497Val (NM_001291285.3, NM_024582.6); short protein forms I497V.
Identifiers: ClinVar variation 1805555 (VCV001805555.1), dbSNP rs775483256, ClinGen allele CA358118013.

ClinVar aggregate classification (germline): Uncertain significance (1 of 4 stars; one submission).

Conditions:
Van Maldergem syndrome 2 (VMLDS2). Identifiers: Orphanet 314679, MedGen C3809875, MONDO:0014242, OMIM 615546.

Allele frequency attached by ClinVar (database versions not stated): gnomAD exomes below 0.00001.
gnomAD v4.1: 4 of 1,614,078 alleles (0.00025%); highest among the groups gnomAD compares: Non-Finnish European, 0.00034%; no homozygotes.

Submission:

Victorian Clinical Genetics Services, Murdoch Childrens Research Institute
Classification: Uncertain significance for Van Maldergem syndrome 2. Last evaluated: 2020-05-25. Review status: criteria provided, single submitter. Criteria: ACMG Guidelines, 2015. Collection method: clinical testing. Allele origin: germline. Inheritance: Autosomal recessive inheritance. Affected: yes.
Comment: Based on the classification scheme VCGS_Germline_v1.1.1, this variant is classified as 3C-VUS. Following criteria are met: 0102 - Loss-of-function is a known mechanism of disease for this gene. (N) 0106 - This gene is known to be associated with autosomal recessive disease. (N) 0200 - Variant is predicted to result in a missense amino acid change from isoleucine to valine (exon 1). (N) 0251 - Variant is heterozygous. (N) 0301 - Variant is absent from gnomAD. (P) 0503 - Missense variant consistently predicted to be tolerated and not conserved in mammals with a minor amino acid change. (B) 0504 - Same amino acid change has been observed in mammals. (B) 0600 - Variant is located in an annotated domain or motif (cadherin domain; PDB, NCBI). (N) 0705 - No comparable variants have previous evidence for pathogenicity. (N) 0807 - Variant has not previously been reported in a clinical context. (N) 0905 - No segregation evidence has been identified for this variant. (N) 1007 - No published functional evidence has been identified for this variant. (N) 1208 - Inheritance information for this variant is not currently available. (N) Legend: (P) - Pathogenic, (N) - Neutral, (B) - Benign